The following is an entry in ClinVar:

ClinVar aggregate classification (germline): Conflicting classifications of pathogenicity. Review status: criteria provided, conflicting classifications (1 of 4 stars). 25 submissions from 21 submitters: Uncertain significance (3); Benign (8); Likely benign (9). 5 of the submissions do not count toward it. Last evaluated 2026-06-01.

Conditions:
TTN-related disorder. Also called: TTN-related condition; TTN-related disease; TTN-related disorders.
Cardiovascular phenotype. Identifiers: MedGen CN230736.
Dilated cardiomyopathy 1G (CMD1G). Identifiers: Orphanet 154, MedGen C1858763, MONDO:0011400, OMIM 604145.
Autosomal recessive limb-girdle muscular dystrophy type 2J (LGMDR10). Also called: Limb-girdle muscular dystrophy, type 2J; MUSCULAR DYSTROPHY, LIMB-GIRDLE, AUTOSOMAL RECESSIVE 10. Identifiers: Orphanet 140922, MedGen C1837342, MONDO:0012127, OMIM 608807.
Cardiomyopathy (CMYO). Also called: Cardiomyopathies. Identifiers: Orphanet 167848, MedGen C0878544, MONDO:0004994, HP:0001638. Inheritance: Various modes of inheritance.
Early-onset myopathy with fatal cardiomyopathy (CMYO5). Also called: Salih Myopathy; CONGENITAL MYOPATHY 5 WITH CARDIOMYOPATHY. Identifiers: Orphanet 289377, MedGen C2673677, MONDO:0012714, OMIM 611705. Disease mechanism: loss of function.
Myopathy, myofibrillar, 9, with early respiratory failure (MFM9). Also called: Hereditary myopathy with early respiratory failure; Myopathy, distal, with early respiratory failure, autosomal dominant; EDSTROM MYOPATHY; MYOPATHY, PROXIMAL, WITH EARLY RESPIRATORY MUSCLE INVOLVEMENT. Identifiers: Orphanet 178464, Orphanet 34521, MedGen C1863599, MONDO:0011362, OMIM 603689.
Tibial muscular dystrophy (TMD). Also called: Udd Distal Myopathy – Tibial Muscular Dystrophy; Tibial muscular dystrophy, tardive; UDD MYOPATHY. Identifiers: Orphanet 609, MedGen C1838244, MONDO:0010870, OMIM 600334.

Allele frequency attached by ClinVar (database versions not stated): 1000 Genomes Project 30x 0.00094; 1000 Genomes Project 0.00100; gnomAD 0.00282 and 0.00288; ESP Exome Variant Server 0.00288; TOPMed 0.00297; gnomAD exomes 0.00330 and 0.00444; ExAC 0.00368.
gnomAD v4.1: 6,791 of 1,599,106 alleles (0.42%); highest among the groups gnomAD compares: Non-Finnish European, 0.53%; 12 homozygotes.

Submissions (25):

CeGaT Center for Human Genetics Tuebingen
Classification: Likely benign. Last evaluated: 2026-06-01. Review status: criteria provided, single submitter. Criteria: CeGaT Center For Human Genetics Tuebingen Variant Classification Criteria Version 2. Collection method: clinical testing. Allele origin: germline. Affected: yes. Observed: 69 variant alleles.
Comment: TTN: BP4, BS2

Labcorp Genetics (formerly Invitae), Labcorp
Classification: Benign for Dilated cardiomyopathy 1G; Autosomal recessive limb-girdle muscular dystrophy type 2J. Last evaluated: 2026-02-03. Review status: criteria provided, single submitter. Criteria: Invitae Variant Classification Sherloc (09022015). Collection method: clinical testing. Allele origin: germline.

Molecular Diagnostic Laboratory for Inherited Cardiovascular Disease, Montreal Heart Institute
Classification: Likely benign. Last evaluated: 2025-04-09. Review status: criteria provided, single submitter. Criteria: ACMG Guidelines, 2015. Collection method: clinical testing. Allele origin: germline. Affected: no.

Blueprint Genetics
Classification: Likely benign. Last evaluated: 2024-11-25. Review status: criteria provided, single submitter. Criteria: ACMG Guidelines, 2015. Collection method: clinical testing. Allele origin: germline.

ARUP Laboratories, Molecular Genetics and Genomics, ARUP Laboratories
Classification: Likely benign. Last evaluated: 2024-08-20. Review status: criteria provided, single submitter. Criteria: ARUP Molecular Germline Variant Investigation Process 2024. Collection method: clinical testing. Allele origin: germline.

Mayo Clinic Laboratories, Mayo Clinic
Classification: Benign. Last evaluated: 2024-07-01. Review status: criteria provided, single submitter. Criteria: ACMG Guidelines, 2015. Collection method: clinical testing. Allele origin: germline. Observed: 19 variant alleles.
Comment: BS1, BS2, BP4

Athena Diagnostics
Classification: Benign. Last evaluated: 2024-02-05. Review status: criteria provided, single submitter. Criteria: Athena Diagnostics Criteria. Collection method: clinical testing. Allele origin: unknown.

Women's Health and Genetics/Laboratory Corporation of America, LabCorp
Classification: Benign. Last evaluated: 2020-07-20. Review status: criteria provided, single submitter. Criteria: LabCorp Variant Classification Summary - May 2015. Collection method: clinical testing. Allele origin: germline.
Comment: Variant summary: TTN c.30961G>A (p.Val10321Ile) results in a conservative amino acid change located in the I-band of the encoded protein sequence. Four of four in-silico tools predict a benign effect of the variant on protein function. The variant allele was found at a frequency of 0.0033 in 236296 control chromosomes in the gnomAD database, including 3 homozygotes. The observed variant frequency is approximately 8 fold of the estimated maximal expected allele frequency for a pathogenic variant in TTN causing Dilated Cardiomyopathy phenotype (0.00039), strongly suggesting that the variant is benign. To our knowledge, no occurrence of c.30961G>A in individuals affected with Dilated Cardiomyopathy and no experimental evidence demonstrating its impact on protein function have been reported. Eight clinical diagnostic laboratories have submitted clinical-significance assessments for this variant to ClinVar after 2014 without evidence for independent evaluation and all laboratories classified as benign/likely benign. Based on the evidence outlined above, the variant was classified as benign.

CHEO Genetics Diagnostic Laboratory, Children's Hospital of Eastern Ontario
Classification: Benign for Cardiomyopathy. Last evaluated: 2019-03-11. Review status: criteria provided, single submitter. Criteria: ACMG Guidelines, 2015. Collection method: clinical testing. Allele origin: germline.

Illumina Laboratory Services, Illumina
Classification: Uncertain significance for Early-onset myopathy with fatal cardiomyopathy. Last evaluated: 2017-04-27. Review status: criteria provided, single submitter. Criteria: ICSL Variant Classification Criteria 13 December 2019. Collection method: clinical testing. Allele origin: germline.

Illumina Laboratory Services, Illumina
Classification: Uncertain significance for Autosomal recessive limb-girdle muscular dystrophy type 2J. Last evaluated: 2017-04-27. Review status: criteria provided, single submitter. Criteria: ICSL Variant Classification Criteria 13 December 2019. Collection method: clinical testing. Allele origin: germline.

Illumina Laboratory Services, Illumina
Classification: Likely benign for Dilated cardiomyopathy 1G. Last evaluated: 2017-04-27. Review status: criteria provided, single submitter. Criteria: ICSL Variant Classification Criteria 13 December 2019. Collection method: clinical testing. Allele origin: germline.
Comment: This variant was observed as part of a predisposition screen in an ostensibly healthy population. A literature search was performed for the gene, cDNA change, and amino acid change (where applicable). No publications were found based on this search. Allele frequency data from public databases allowed determination this variant is unlikely to cause disease. Therefore, this variant is classified as likely benign.

Illumina Laboratory Services, Illumina
Classification: Benign for Myopathy, myofibrillar, 9, with early respiratory failure. Last evaluated: 2017-04-27. Review status: criteria provided, single submitter. Criteria: ICSL Variant Classification Criteria 13 December 2019. Collection method: clinical testing. Allele origin: germline.
Comment: This variant was observed as part of a predisposition screen in an ostensibly healthy population. A literature search was performed for the gene, cDNA change, and amino acid change (where applicable). No publications were found based on this search. Allele frequency data from public databases was too high to be consistent with this variant causing disease. Therefore, this variant is classified as benign.

Illumina Laboratory Services, Illumina
Classification: Benign for Tibial muscular dystrophy. Last evaluated: 2017-04-27. Review status: criteria provided, single submitter. Criteria: ICSL Variant Classification Criteria 13 December 2019. Collection method: clinical testing. Allele origin: germline.
Comment: the same text as in the submission from Illumina Laboratory Services, Illumina above.

GeneDx
Classification: Benign. Last evaluated: 2016-12-07. Review status: criteria provided, single submitter. Criteria: GeneDx Variant Classification (06012015). Collection method: clinical testing. Allele origin: germline. Affected: yes.
Comment: This variant is considered likely benign or benign based on one or more of the following criteria: it is a conservative change, it occurs at a poorly conserved position in the protein, it is predicted to be benign by multiple in silico algorithms, and/or has population frequency not consistent with disease.

Genetic Services Laboratory, University of Chicago
Classification: Likely benign. Last evaluated: 2016-04-27. Review status: criteria provided, single submitter. Criteria: ACMG Guidelines, 2015. Collection method: clinical testing. Allele origin: germline. Affected: no.

Eurofins Ntd Llc (ga)
Classification: Likely benign. Last evaluated: 2015-09-01. Review status: criteria provided, single submitter. Criteria: EGL Classification Definitions 2015. Collection method: clinical testing. Allele origin: germline. Observed: 1 variant allele, 1 heterozygote.

Laboratory for Molecular Medicine, Mass General Brigham Personalized Medicine
Classification: Likely benign. Last evaluated: 2014-12-29. Review status: criteria provided, single submitter. Criteria: LMM Criteria. Collection method: clinical testing. Allele origin: germline. Observed: 15 variant alleles.
Comment: p.Val10321Ile in exon 149 of TTN: This variant is not expected to have clinical significance because it has been identified in 0.6% (400/67108) of European chro mosomes by the Exome Aggregation Consortium (ExAC, g).

Biesecker Lab/Clinical Genomics Section, National Institutes of Health
Classification: Likely benign. Last evaluated: 2013-06-24. Review status: criteria provided, single submitter. Criteria: Ng et al. (Circ Cardiovasc Genet. 2013). Collection method: research. Allele origin: unknown. Observed: 1 variant allele. Study: ClinSeq.
Comment: The study set was not selected for affection status in relation to any cancer. Pathogenicity categories were based on literature curation. See Pubmed ID:23861362 for details.

Medical sequencing

Ambry Genetics
Classification: Uncertain significance for Cardiovascular phenotype. Last evaluated: 2013-01-16. Review status: criteria provided, single submitter. Criteria: Ambry Autosomal Dominant and X-Linked criteria (10/2015). Collection method: clinical testing. Allele origin: germline. Observed: 1 variant allele.
Comment: Ã¢â‚¬â€¹The p.V10321I variant (also known as c.30961G>A) is located in coding exon 148 of the TTN gene. This alteration results from a G to A substitution at nucleotide position 30961. The valine at codon 10321 is replaced by isoleucine, an amino acid with similar properties. This variant was previously reported in the SNPDatabase asrs202014478.Based on data from the NHLBI Exome Sequencing Project (ESP), the A-allele has an overall frequency of approximately 0.29% (34/11806), having been observed in 0.14% (5/3650) of African American alleles, and in 0.36% (29/8156) of European American alleles. Based on protein sequence alignment, this amino acid position is conserved in available vertebrate species. In addition, this alteration is predicted to be benign by PolyPhen in silico analysis. Since supporting evidence is limited at this time, the clinical significance of p.V10321I remains unclear.

PreventionGenetics, part of Exact Sciences
Classification: Likely benign for TTN-related condition. Last evaluated: 2019-08-30. Review status: no assertion criteria provided. Collection method: clinical testing. Allele origin: germline. Not counted in ClinVar's aggregate classification.
Comment: This variant is classified as likely benign based on ACMG/AMP sequence variant interpretation guidelines (Richards et al. 2015 PMID: 25741868, with internal and published modifications).

Clinical Genetics, Academic Medical Center
Classification: Benign. Review status: no assertion criteria provided. Collection method: clinical testing. Allele origin: germline. Affected: yes. Study: VKGL Data-share Consensus. Not counted in ClinVar's aggregate classification.

Diagnostic Laboratory, Department of Genetics, University Medical Center Groningen
Classification: Likely benign. Review status: no assertion criteria provided. Collection method: clinical testing. Allele origin: germline. Affected: yes. Study: VKGL Data-share Consensus. Not counted in ClinVar's aggregate classification.

Joint Genome Diagnostic Labs from Nijmegen and Maastricht, Radboudumc and MUMC+
Classification: Benign. Review status: no assertion criteria provided. Collection method: clinical testing. Allele origin: germline. Affected: yes. Study: VKGL Data-share Consensus. Not counted in ClinVar's aggregate classification.

Laboratory of Diagnostic Genome Analysis, Leiden University Medical Center (LUMC)
Classification: Likely benign. Review status: no assertion criteria provided. Collection method: clinical testing. Allele origin: germline. Affected: yes. Study: VKGL Data-share Consensus. Not counted in ClinVar's aggregate classification.

Literature cited by the submitters: PubMed 23861362 (cited by Athena Diagnostics).

NM_001267550.2(TTN):c.34864G>A (p.Val11622Ile)

Gene: TTN (titin; minus strand). Cytogenetic location: 2q31.2.
Variant type: single nucleotide variant.
Coding change: c.34864G>A on transcript NM_001267550.2 (MANE Select); coding-DNA position 34864, G replaced by A.
Protein change: p.Val11622Ile; replaces valine 11622 with isoleucine.
Molecular consequence: missense variant. On other transcripts: intron variant (3).
Genome position (GRCh38, 1-based): chr2:178,672,473, C>T on the plus strand (G>A on the coding strand, the complement: TTN is on the minus strand). VCF-style: chr2-178672473-C-T. GRCh37 (hg19) VCF-style: chr2-179537200-C-T.
Other names: p.V10321I:GTA>ATA; c.33742G>A, p.Val11248Ile (NM_001256850.1); c.30961G>A, p.Val10321Ile (NM_133378.4); c.13283-30156G>A (NM_003319.4); c.13859-30156G>A (NM_133437.4); c.13658-30156G>A (NM_133432.3); short protein forms V11622I, V10321I, V11248I.
Identifiers: ClinVar variation 46909 (VCV000046909.86), dbSNP rs202014478, ClinGen allele CA139486.